The following is an entry in ClinVar:

ClinVar aggregate classification (germline): Conflicting classifications of pathogenicity. Review status: criteria provided, conflicting classifications (1 of 4 stars). 4 submissions from 4 submitters: Uncertain significance (3); Benign (1). Last evaluated 2025-11-06.

Conditions:
Marfan syndrome (MFS). Also called: FBN1-Related Marfan Syndrome; MARFAN SYNDROME, TYPE I; Marfan syndrome type 1; Marfan's syndrome; Marfan syndrome, classic. Identifiers: Orphanet 284963, Orphanet 558, MedGen C0024796, MONDO:0007947, OMIM 154700.
Familial thoracic aortic aneurysm and aortic dissection (TAAD). Also called: Thoracic aortic aneurysms and dissections. Identifiers: Orphanet 91387, MedGen C4707243, MONDO:0019625.

Allele frequency attached by ClinVar (database versions not stated): gnomAD 0.00003; TOPMed 0.00003; gnomAD exomes below 0.00001.
gnomAD v4.1: 10 of 1,613,956 alleles (0.00062%); highest among the groups gnomAD compares: African/African-American, 0.011%; no homozygotes.

Submissions (4):

Labcorp Genetics (formerly Invitae), Labcorp
Classification: Benign for Marfan syndrome; Familial thoracic aortic aneurysm and aortic dissection. Last evaluated: 2025-11-06. Review status: criteria provided, single submitter. Criteria: Invitae Variant Classification Sherloc (09022015). Collection method: clinical testing. Allele origin: germline.

All of Us Research Program, National Institutes of Health
Classification: Uncertain significance for Marfan syndrome. Last evaluated: 2024-06-09. Review status: criteria provided, single submitter. Criteria: ACMG Guidelines, 2015. Collection method: clinical testing. Allele origin: germline. Inheritance: Autosomal dominant inheritance. Observed: 5 variant alleles, 5 heterozygotes.
Comment: This missense variant replaces tyrosine with histidine at codon 962 of the FBN1 protein. Computational prediction suggests that this variant may not impact protein structure and function (internally defined REVEL score threshold <= 0.5, PMID: 27666373). To our knowledge, functional studies have not been reported for this variant. This variant has not been reported in individuals affected with cardiovascular disorders in the literature. This variant has been identified in 1/31360 chromosomes in the general population by the Genome Aggregation Database (gnomAD). The available evidence is insufficient to determine the role of this variant in disease conclusively. Therefore, this variant is classified as a Variant of Uncertain Significance.

This study involves interpretation of variants in research participants for the purpose of population health screening. Participant phenotype was not available at the time of variant classification. Additional details can be found in publication PMID: 35346344, PMCID: PMC8962531

Ambry Genetics
Classification: Uncertain significance for Familial thoracic aortic aneurysm and aortic dissection. Last evaluated: 2024-05-08. Review status: criteria provided, single submitter. Criteria: Ambry Variant Classification Scheme 2023. Collection method: clinical testing. Allele origin: germline.
Comment: The p.Y962H variant (also known as c.2884T>C), located in coding exon 24 of the FBN1 gene, results from a T to C substitution at nucleotide position 2884. The tyrosine at codon 962 is replaced by histidine, an amino acid with similar properties. This amino acid position is not well conserved in available vertebrate species. In addition, this alteration is predicted to be tolerated by in silico analysis. Based on the available evidence, the clinical significance of this variant remains unclear.

Color Diagnostics, LLC DBA Color Health
Classification: Uncertain significance for Familial thoracic aortic aneurysm and aortic dissection. Last evaluated: 2024-03-06. Review status: criteria provided, single submitter. Criteria: ACMG Guidelines, 2015. Collection method: clinical testing. Allele origin: germline.
Comment: This missense variant replaces tyrosine with histidine at codon 962 of the FBN1 protein. Computational prediction suggests that this variant may not impact protein structure and function (internally defined REVEL score threshold <= 0.5, PMID: 27666373). To our knowledge, functional studies have not been reported for this variant. This variant has not been reported in individuals affected with FBN1-related disorders in the literature. This variant has been identified in 1/31360 chromosomes in the general population by the Genome Aggregation Database (gnomAD). The available evidence is insufficient to determine the role of this variant in disease conclusively. Therefore, this variant is classified as a Variant of Uncertain Significance.

NM_000138.5(FBN1):c.2884T>C (p.Tyr962His)

Gene: FBN1 (fibrillin 1; minus strand). Cytogenetic location: 15q21.1.
Variant type: single nucleotide variant.
Coding change: c.2884T>C on transcript NM_000138.5 (MANE Select); coding-DNA position 2884, T replaced by C.
Protein change: p.Tyr962His; replaces tyrosine 962 with histidine.
Molecular consequence: missense variant.
Genome position (GRCh38, 1-based): chr15:48,490,049, A>G on the plus strand (T>C on the coding strand, the complement: FBN1 is on the minus strand). VCF-style: chr15-48490049-A-G. GRCh37 (hg19) VCF-style: chr15-48782246-A-G.
Other names: c.2884T>C, p.Tyr962His (NM_001406716.1); short protein forms Y962H.
Identifiers: ClinVar variation 2773369 (VCV002773369.8), dbSNP rs1179986943, ClinGen allele CA392330054.